The following is an entry in ClinVar:

ClinVar aggregate classification (germline): Likely pathogenic (1 of 4 stars; one submission).

Conditions:
Propionic acidemia (PROP). Also called: GLYCINEMIA, KETOTIC; HYPERGLYCINEMIA WITH KETOACIDOSIS AND LEUKOPENIA; KETOTIC HYPERGLYCINEMIA. Identifiers: Orphanet 35, MedGen C0268579, MONDO:0011628, OMIM 606054, HP:0003571.

Submission:

Labcorp Genetics (formerly Invitae), Labcorp
Classification: Likely pathogenic for Propionic acidemia. Last evaluated: 2022-09-13. Review status: criteria provided, single submitter. Criteria: Invitae Variant Classification Sherloc (09022015). Collection method: clinical testing. Allele origin: germline.
Comment: In summary, the currently available evidence indicates that the variant is pathogenic, but additional data are needed to prove that conclusively. Therefore, this variant has been classified as Likely Pathogenic. This variant disrupts the p.His59 amino acid residue in PCCB. Other variant(s) that disrupt this residue have been determined to be pathogenic (Invitae). This suggests that this residue is clinically significant, and that variants that disrupt this residue are likely to be disease-causing. Advanced modeling of protein sequence and biophysical properties (such as structural, functional, and spatial information, amino acid conservation, physicochemical variation, residue mobility, and thermodynamic stability) performed at Invitae indicates that this missense variant is expected to disrupt PCCB protein function. This variant has not been reported in the literature in individuals affected with PCCB-related conditions. This variant is not present in population databases (gnomAD no frequency). This sequence change replaces histidine, which is basic and polar, with asparagine, which is neutral and polar, at codon 59 of the PCCB protein (p.His59Asn).

NM_000532.5(PCCB):c.175C>A (p.His59Asn)

Gene: PCCB (propionyl-CoA carboxylase subunit beta; plus strand). Cytogenetic location: 3q22.3.
Variant type: single nucleotide variant.
Coding change: c.175C>A on transcript NM_000532.5 (MANE Select); coding-DNA position 175, C replaced by A.
Protein change: p.His59Asn; replaces histidine 59 with asparagine.
Molecular consequence: missense variant.
Genome position (GRCh38, 1-based): chr3:136,250,550, C>A. VCF-style: chr3-136250550-C-A. GRCh37 (hg19) VCF-style: chr3-135969392-C-A.
Other names: c.175C>A, p.His59Asn (NM_001178014.2); short protein forms H59N.
Identifiers: ClinVar variation 2026450 (VCV002026450.4), dbSNP rs147954363, ClinGen allele CA354738130.